The following is an entry in ClinVar:

NM_020937.4(FANCM):c.5942A>G (p.Asn1981Ser)

Gene: FANCM (FA complementation group M; plus strand). Cytogenetic location: 14q21.2.
Variant type: single nucleotide variant.
Coding change: c.5942A>G on transcript NM_020937.4 (MANE Select); coding-DNA position 5942, A replaced by G.
Protein change: p.Asn1981Ser; replaces asparagine 1981 with serine.
Molecular consequence: missense variant.
Genome position (GRCh38, 1-based): chr14:45,198,869, A>G. VCF-style: chr14-45198869-A-G. GRCh37 (hg19) VCF-style: chr14-45668072-A-G.
Other names: c.5864A>G, p.Asn1955Ser (NM_001308133.2); short protein forms N1955S, N1981S.
Identifiers: ClinVar variation 4841746 (VCV004841746.1).
Genomic context (GRCh38, chr14:45,198,869, plus strand): 5'-TTCCAACAGTGGTGAATAGTAATAAAAGTGAGGCACTCCAGTTTTATTTAAGTATTCCCA[A>G]TATAAGTTATATAACTGCATTAAATATGTGTCACCAGTTTTCATCTGTGAAAAGGATGGC-3'
Protein context (NP_065988.1, residues 1971-1991): EALQFYLSIP[Asn1981Ser]ISYITALNMC

ClinVar aggregate classification (germline): Uncertain significance (1 of 4 stars; one submission).

Conditions:
Inborn genetic diseases. Identifiers: MedGen C0950123, MeSH D030342.

gnomAD v4.1: 2 of 1,611,622 alleles (0.00012%); highest among the groups gnomAD compares: Non-Finnish European, 0.00017%; no homozygotes.

Submission:

Ambry Genetics
Classification: Uncertain significance for Inborn genetic diseases. Last evaluated: 2025-12-24. Review status: criteria provided, single submitter. Criteria: Ambry Variant Classification Scheme 2023. Collection method: clinical testing. Allele origin: germline.
Comment: The p.N1981S variant (also known as c.5942A>G), located in coding exon 22 of the FANCM gene, results from an A to G substitution at nucleotide position 5942. The asparagine at codon 1981 is replaced by serine, an amino acid with highly similar properties. This amino acid position is conserved. In addition, this alteration is predicted to be tolerated by in silico analysis. Based on the available evidence, the clinical significance of this variant remains unclear.